The following is an entry in ClinVar:

ClinVar aggregate classification (germline): Uncertain significance (1 of 4 stars; one submission).

Conditions:
ALG12-congenital disorder of glycosylation (CDG1G). Also called: ALG12-CDG; Congenital disorder of glycosylation, type Ig; CDG Ig. Identifiers: Orphanet 79324, MedGen C2931001, MONDO:0011783, OMIM 607143.

gnomAD v4.1: 1 of 1,613,418 alleles (0.000062%); highest among the groups gnomAD compares: Non-Finnish European, 0.000085%; no homozygotes.

Submission:

Labcorp Genetics (formerly Invitae), Labcorp
Classification: Uncertain significance for ALG12-congenital disorder of glycosylation. Last evaluated: 2022-05-16. Review status: criteria provided, single submitter. Criteria: Invitae Variant Classification Sherloc (09022015). Collection method: clinical testing. Allele origin: germline.
Comment: In summary, the available evidence is currently insufficient to determine the role of this variant in disease. Therefore, it has been classified as a Variant of Uncertain Significance. Algorithms developed to predict the effect of missense changes on protein structure and function are either unavailable or do not agree on the potential impact of this missense change (SIFT: "Deleterious"; PolyPhen-2: "Possibly Damaging"; Align-GVGD: "Class C0"). This variant has not been reported in the literature in individuals affected with ALG12-related conditions. This variant is not present in population databases (gnomAD no frequency). This sequence change replaces leucine, which is neutral and non-polar, with valine, which is neutral and non-polar, at codon 268 of the ALG12 protein (p.Leu268Val).

NM_024105.4(ALG12):c.802C>G (p.Leu268Val)

Gene: ALG12 (ALG12 alpha-1,6-mannosyltransferase; minus strand). Cytogenetic location: 22q13.33.
Variant type: single nucleotide variant.
Coding change: c.802C>G on transcript NM_024105.4 (MANE Select); coding-DNA position 802, C replaced by G.
Protein change: p.Leu268Val; replaces leucine 268 with valine.
Molecular consequence: missense variant.
Genome position (GRCh38, 1-based): chr22:49,907,911, G>C on the plus strand (C>G on the coding strand, the complement: ALG12 is on the minus strand). VCF-style: chr22-49907911-G-C. GRCh37 (hg19) VCF-style: chr22-50301559-G-C.
Other names: short protein forms L268V.
Identifiers: ClinVar variation 1995101 (VCV001995101.4), dbSNP rs1490287472, ClinGen allele CA412073852.